The following is an entry in ClinVar:

NM_001294.4(CLPTM1):c.586+8G>T

Gene: CLPTM1 (CLPTM1 regulator of GABA type A receptor forward trafficking; plus strand). Cytogenetic location: 19q13.32.
Variant type: single nucleotide variant.
Coding change: c.586+8G>T on transcript NM_001294.4 (MANE Select); 8 bases into the intron after coding-DNA position 586, G replaced by T.
Molecular consequence: intron variant.
Genome position (GRCh38, 1-based): chr19:44,977,468, G>T. VCF-style: chr19-44977468-G-T. GRCh37 (hg19) VCF-style: chr19-45480725-G-T.
Other names: c.280+8G>T (NM_001282176.2); c.544+8G>T (NM_001282175.2).
Identifiers: ClinVar variation 4987334 (VCV004987334.1).

ClinVar aggregate classification (germline): Likely benign (1 of 4 stars; one submission).

Conditions:
CLPTM1-related disorder. Also called: CLPTM1-related condition.

gnomAD v4.1: 239 of 1,590,910 alleles (0.015%); highest among the groups gnomAD compares: African/African-American, 0.3%; no homozygotes.

Submission:

PreventionGenetics, part of Exact Sciences
Classification: Likely benign for CLPTM1-related condition. Last evaluated: 2026-03-05. Review status: criteria provided, single submitter. Criteria: ACMG Guidelines, 2015. Collection method: clinical testing. Allele origin: germline.
Comment: This variant is classified as likely benign based on ACMG/AMP sequence variant interpretation guidelines (Richards et al. 2015 PMID: 25741868, with internal and published modifications).